The following is an entry in ClinVar:

NM_033517.1:c.4240C>T

Gene: SHANK3 (SH3 and multiple ankyrin repeat domains 3; plus strand).
Variant type: single nucleotide variant.
Other names: c.4240C>T (NM_033517.1).
Identifiers: ClinVar variation 4538055 (VCV004538055.1).

ClinVar aggregate classification (germline): Uncertain significance (1 of 4 stars; one submission).

Submission:

GeneDx
Classification: Uncertain significance. Last evaluated: 2025-06-11. Review status: criteria provided, single submitter. Criteria: GeneDx Variant Classification Process June 2021. Collection method: clinical testing. Allele origin: germline. Affected: yes.
Comment: Not observed at significant frequency in large population cohorts (gnomAD); In silico analysis supports that this missense variant has a deleterious effect on protein structure/function; Has not been previously published as pathogenic or benign to our knowledge